The following is an entry in ClinVar:

NM_004373.4(COX6A1):c.229C>G (p.Leu77Val)

Gene: COX6A1 (cytochrome c oxidase subunit 6A1; plus strand). Cytogenetic location: 12q24.31.
Variant type: single nucleotide variant.
Coding change: c.229C>G on transcript NM_004373.4 (MANE Select); coding-DNA position 229, C replaced by G.
Protein change: p.Leu77Val; replaces leucine 77 with valine.
Molecular consequence: missense variant.
Genome position (GRCh38, 1-based): chr12:120,438,504, C>G. VCF-style: chr12-120438504-C-G. GRCh37 (hg19) VCF-style: chr12-120876307-C-G.
Other names: c.229C>G (NM_004373.2); short protein forms L77V.
Identifiers: ClinVar variation 1504128 (VCV001504128.28), dbSNP rs202037015, ClinGen allele CA6828035.

ClinVar aggregate classification (germline): Uncertain significance. Review status: criteria provided, multiple submitters, no conflicts (2 of 4 stars). 4 submissions from 4 submitters: Uncertain significance (4). Last evaluated 2025-12-16.

Allele frequency attached by ClinVar (database versions not stated): TOPMed 0.00003; ESP Exome Variant Server 0.00008; gnomAD 0.00011 and 0.00012; ExAC 0.00012; gnomAD exomes 0.00016.
gnomAD v4.1: 164 of 1,614,118 alleles (0.01%); highest among the groups gnomAD compares: African/African-American, 0.0067%; no homozygotes.

Submissions (4):

Ambry Genetics
Classification: Uncertain significance. Last evaluated: 2025-12-16. Review status: criteria provided, single submitter. Criteria: Ambry Variant Classification Scheme 2023. Collection method: clinical testing. Allele origin: germline.

CeGaT Center for Human Genetics Tuebingen
Classification: Uncertain significance. Last evaluated: 2024-02-01. Review status: criteria provided, single submitter. Criteria: CeGaT Center For Human Genetics Tuebingen Variant Classification Criteria Version 2. Collection method: clinical testing. Allele origin: germline. Affected: yes. Observed: 1 variant allele.
Comment: COX6A1: PM2

Blueprint Genetics
Classification: Uncertain significance. Last evaluated: 2024-01-19. Review status: criteria provided, single submitter. Criteria: ACMG Guidelines, 2015. Collection method: clinical testing. Allele origin: germline.

Labcorp Genetics (formerly Invitae), Labcorp
Classification: Uncertain significance. Last evaluated: 2022-07-25. Review status: criteria provided, single submitter. Criteria: Invitae Variant Classification Sherloc (09022015). Collection method: clinical testing. Allele origin: germline.
Comment: This sequence change replaces leucine, which is neutral and non-polar, with valine, which is neutral and non-polar, at codon 77 of the COX6A1 protein (p.Leu77Val). This variant is present in population databases (rs202037015, gnomAD 0.1%). This variant has not been reported in the literature in individuals affected with COX6A1-related conditions. ClinVar contains an entry for this variant (Variation ID: 1504128). Algorithms developed to predict the effect of missense changes on protein structure and function are either unavailable or do not agree on the potential impact of this missense change (SIFT: "Deleterious"; PolyPhen-2: "Probably Damaging"; Align-GVGD: "Class C0"). In summary, the available evidence is currently insufficient to determine the role of this variant in disease. Therefore, it has been classified as a Variant of Uncertain Significance.